The following is an entry in ClinVar:

ClinVar aggregate classification (germline): other (0 of 4 stars; one submission).

Conditions:
Familial colorectal cancer. Identifiers: MedGen CN280943, MONDO:0023113. Disease mechanism: loss of function.

Submission:

Systems Biology Platform Zhejiang California International NanoSystems Institute
Classification: other for Familial colorectal cancer. Review status: no assertion criteria provided. Collection method: not provided. Allele origin: unknown.
ClinVar note: Converted during submission from cancer to other.

NC_000005.10:g.112851099T>A

Variant type: single nucleotide variant.
Genome position: GRCh38 VCF-style: chr5-112851099-T-A. GRCh37 (hg19) VCF-style: chr5-112186796-T-A.
Identifiers: ClinVar variation 82691 (VCV000082691.3), dbSNP rs75491288, ClinGen allele CA250831.
Genomic context (GRCh38, chr5:112,851,099, plus strand): 5'-ATCCACCAACACACCCAGCTAATCTTTTGTATTTTTAGTAGAGACAGGGTTTTACCATTT[T>A]GGTCAGGCTGGTCTCAAACTCCTGAGCTTAGGTGATCCGCCCACCTTGGCCTCCCAAAGT-3'